The following is an entry in ClinVar:

NM_032383.5(HPS3):c.1264A>G (p.Met422Val)

Gene: HPS3 (HPS3 biogenesis of lysosomal organelles complex 2 subunit 1; plus strand). Cytogenetic location: 3q24.
Variant type: single nucleotide variant.
Coding change: c.1264A>G on transcript NM_032383.5 (MANE Select); coding-DNA position 1264, A replaced by G.
Protein change: p.Met422Val; replaces methionine 422 with valine.
Molecular consequence: missense variant.
Genome position (GRCh38, 1-based): chr3:149,153,512, A>G. VCF-style: chr3-149153512-A-G. GRCh37 (hg19) VCF-style: chr3-148871299-A-G.
Other names: c.769A>G, p.Met257Val (NM_001308258.2); short protein forms M422V, M257V.
Identifiers: ClinVar variation 4706457 (VCV004706457.1).
Genomic context (GRCh38, chr3:149,153,512, plus strand): 5'-TACCTTTATTTCTTGCTTAAATATGTGATTTTCCTTTACTAGGCTTGCCCACCTGTCAGT[A>G]TGGATGTCTGTGCTTTAAGAATACAGCTTTTCATAGGCTTGAAAGCCATCTGTCACTTTA-3'
Protein context (NP_115759.2, residues 412-432): TTLKACPPVS[Met422Val]DVCALRIQLF

ClinVar aggregate classification (germline): Uncertain significance (1 of 4 stars; one submission).

gnomAD v4.1: 2 of 1,613,912 alleles (0.00012%); highest among the groups gnomAD compares: Admixed American, 0.0017%; no homozygotes.

Submission:

Labcorp Genetics (formerly Invitae), Labcorp
Classification: Uncertain significance. Last evaluated: 2025-04-22. Review status: criteria provided, single submitter. Criteria: Invitae Variant Classification Sherloc (09022015). Collection method: clinical testing. Allele origin: germline.
Comment: This sequence change replaces methionine, which is neutral and non-polar, with valine, which is neutral and non-polar, at codon 422 of the HPS3 protein (p.Met422Val). This variant is not present in population databases (gnomAD no frequency). This variant has not been reported in the literature in individuals affected with HPS3-related conditions. Invitae Evidence Modeling of protein sequence and biophysical properties (such as structural, functional, and spatial information, amino acid conservation, physicochemical variation, residue mobility, and thermodynamic stability) indicates that this missense variant is expected to disrupt HPS3 protein function with a positive predictive value of 80%. In summary, the available evidence is currently insufficient to determine the role of this variant in disease. Therefore, it has been classified as a Variant of Uncertain Significance.